The following is an entry in ClinVar:

NM_000350.3(ABCA4):c.4671T>A (p.Tyr1557Ter)

Gene: ABCA4 (ATP binding cassette subfamily A member 4; minus strand). Cytogenetic location: 1p22.1.
Variant type: single nucleotide variant.
Coding change: c.4671T>A on transcript NM_000350.3 (MANE Select); coding-DNA position 4671, T replaced by A.
Protein change: p.Tyr1557Ter; replaces tyrosine 1557 with a stop codon.
Molecular consequence: nonsense.
Genome position (GRCh38, 1-based): chr1:94,021,948, A>T on the plus strand (T>A on the coding strand, the complement: ABCA4 is on the minus strand). VCF-style: chr1-94021948-A-T. GRCh37 (hg19) VCF-style: chr1-94487504-A-T.
Other names: c.4449T>A, p.Tyr1483Ter (NM_001425324.1); short protein forms Y1557*, Y1483*.
Identifiers: ClinVar variation 1069098 (VCV001069098.7), dbSNP rs1659914762, ClinGen allele CA341284077.
Genomic context (GRCh38, chr1:94,021,948, plus strand): 5'-AACAAGTGCTTCCCCCGTGATGGGGACGACTGGGAGCTTTCCTCCAATGGAAATTCCTCC[A>T]TACCTGACAAGGAAACAGGAAATCCTCAGACCAGGGCCACGAACTTCACGCCTACTAGTA-3'

ClinVar aggregate classification (germline): Pathogenic (1 of 4 stars; one submission).

Submission:

Labcorp Genetics (formerly Invitae), Labcorp
Classification: Pathogenic. Last evaluated: 2025-07-28. Review status: criteria provided, single submitter. Criteria: Invitae Variant Classification Sherloc (09022015). Collection method: clinical testing. Allele origin: germline.
Comment: This sequence change creates a premature translational stop signal (p.Tyr1557*) in the ABCA4 gene. It is expected to result in an absent or disrupted protein product. Loss-of-function variants in ABCA4 are known to be pathogenic (PMID: 10958761, 24938718, 25312043, 26780318). This variant is not present in population databases (gnomAD no frequency). This variant has not been reported in the literature in individuals affected with ABCA4-related conditions. ClinVar contains an entry for this variant (Variation ID: 1069098). Algorithms developed to predict the effect of sequence changes on RNA splicing suggest that this variant may disrupt the consensus splice site. For these reasons, this variant has been classified as Pathogenic.

Literature cited by the submitters: PubMed 10958761; PubMed 24938718; PubMed 25312043; PubMed 26780318.